The following is an entry in ClinVar:

ClinVar aggregate classification (germline): Uncertain significance (1 of 4 stars; one submission).

Conditions:
Methylcobalamin deficiency type cblG (HMAG). Also called: HOMOCYSTINURIA-MEGALOBLASTIC ANEMIA, cblG TYPE; HOMOCYSTINURIA-MEGALOBLASTIC ANEMIA, cblG COMPLEMENTATION TYPE; Functional methionine synthase deficiency type cblG; HOMOCYSTINURIA-MEGALOBLASTIC ANEMIA DUE TO DEFECT IN COBALAMIN METABOLISM, cblG COMPLEMENTATION TYPE. Identifiers: Orphanet 2170, Orphanet 622, MedGen C1855128, MONDO:0009609, OMIM 250940.

Allele frequency attached by ClinVar (database versions not stated): gnomAD exomes below 0.00001 and 0.00001; TOPMed below 0.00001; ExAC 0.00001.
gnomAD v4.1: 6 of 1,614,230 alleles (0.00037%); highest among the groups gnomAD compares: Non-Finnish European, 0.00051%; no homozygotes.

Submission:

Labcorp Genetics (formerly Invitae), Labcorp
Classification: Uncertain significance for Methylcobalamin deficiency type cblG. Last evaluated: 2024-10-30. Review status: criteria provided, single submitter. Criteria: Invitae Variant Classification Sherloc (09022015). Collection method: clinical testing. Allele origin: germline.
Comment: This sequence change replaces tyrosine, which is neutral and polar, with histidine, which is basic and polar, at codon 964 of the MTR protein (p.Tyr964His). This variant is present in population databases (rs779579945, gnomAD 0.0009%). This variant has not been reported in the literature in individuals affected with MTR-related conditions. ClinVar contains an entry for this variant (Variation ID: 1488034). Invitae Evidence Modeling of protein sequence and biophysical properties (such as structural, functional, and spatial information, amino acid conservation, physicochemical variation, residue mobility, and thermodynamic stability) indicates that this missense variant is expected to disrupt MTR protein function with a positive predictive value of 95%. In summary, the available evidence is currently insufficient to determine the role of this variant in disease. Therefore, it has been classified as a Variant of Uncertain Significance.

NM_000254.3(MTR):c.2890T>C (p.Tyr964His)

Gene: MTR (5-methyltetrahydrofolate-homocysteine methyltransferase; plus strand). Cytogenetic location: 1q43.
Variant type: single nucleotide variant.
Coding change: c.2890T>C on transcript NM_000254.3 (MANE Select); coding-DNA position 2890, T replaced by C.
Protein change: p.Tyr964His; replaces tyrosine 964 with histidine.
Molecular consequence: missense variant.
Genome position (GRCh38, 1-based): chr1:236,889,219, T>C. VCF-style: chr1-236889219-T-C. GRCh37 (hg19) VCF-style: chr1-237052519-T-C.
Other names: c.2737T>C, p.Tyr913His (NM_001291939.1); c.1669T>C, p.Tyr557His (NM_001291940.2); short protein forms Y557H, Y913H, Y964H.
Identifiers: ClinVar variation 1488034 (VCV001488034.6), dbSNP rs779579945, ClinGen allele CA1474555.